The following is an entry in ClinVar:

ClinVar aggregate classification (germline): Uncertain significance. Review status: criteria provided, multiple submitters, no conflicts (2 of 4 stars). 4 submissions from 4 submitters: Uncertain significance (4). Last evaluated 2025-11-24.

Conditions:
Developmental and epileptic encephalopathy, 18 (DEE18). Also called: Early infantile epileptic encephalopathy 18. Identifiers: Orphanet 369894, MedGen C3809624, MONDO:0014201, OMIM 615476.

Allele frequency attached by ClinVar (database versions not stated): 1000 Genomes Project 30x 0.00016; TOPMed 0.00003; 1000 Genomes Project 0.00020.
gnomAD v4.1: 114 of 1,613,474 alleles (0.0071%); highest among the groups gnomAD compares: Admixed American, 0.005%; no homozygotes.

Submissions (4):

GeneDx
Classification: Uncertain significance. Last evaluated: 2025-11-24. Review status: criteria provided, single submitter. Criteria: GeneDx Variant Classification Process June 2021. Collection method: clinical testing. Allele origin: germline. Affected: yes.
Comment: In silico analysis suggests that this missense variant does not alter protein structure/function; Has not been previously published as pathogenic or benign to our knowledge

Labcorp Genetics (formerly Invitae), Labcorp
Classification: Uncertain significance. Last evaluated: 2024-03-26. Review status: criteria provided, single submitter. Criteria: Invitae Variant Classification Sherloc (09022015). Collection method: clinical testing. Allele origin: germline.
Comment: This sequence change replaces arginine, which is basic and polar, with tryptophan, which is neutral and slightly polar, at codon 2449 of the SZT2 protein (p.Arg2449Trp). This variant is present in population databases (rs200935344, gnomAD 0.1%). This variant has not been reported in the literature in individuals affected with SZT2-related conditions. ClinVar contains an entry for this variant (Variation ID: 863923). Advanced modeling of protein sequence and biophysical properties (such as structural, functional, and spatial information, amino acid conservation, physicochemical variation, residue mobility, and thermodynamic stability) performed at Invitae indicates that this missense variant is expected to disrupt SZT2 protein function with a positive predictive value of 80%. In summary, the available evidence is currently insufficient to determine the role of this variant in disease. Therefore, it has been classified as a Variant of Uncertain Significance.

Genome-Nilou Lab
Classification: Uncertain significance for Developmental and epileptic encephalopathy, 18. Last evaluated: 2023-04-11. Review status: criteria provided, single submitter. Criteria: ACMG Guidelines, 2015. Collection method: clinical testing. Allele origin: germline. Affected: no.

Revvity Omics, Revvity
Classification: Uncertain significance for Developmental and epileptic encephalopathy, 18. Last evaluated: 2020-11-17. Review status: criteria provided, single submitter. Criteria: ACMG Guidelines, 2015. Collection method: clinical testing. Allele origin: germline.

NM_001365999.1(SZT2):c.7516C>T (p.Arg2506Trp)

Gene: SZT2 (SZT2 subunit of KICSTOR complex; plus strand). Cytogenetic location: 1p34.2.
Variant type: single nucleotide variant.
Coding change: c.7516C>T on transcript NM_001365999.1 (MANE Select); coding-DNA position 7516, C replaced by T.
Protein change: p.Arg2506Trp; replaces arginine 2506 with tryptophan.
Molecular consequence: missense variant.
Genome position (GRCh38, 1-based): chr1:43,441,508, C>T. VCF-style: chr1-43441508-C-T. GRCh37 (hg19) VCF-style: chr1-43907179-C-T.
Other names: c.7345C>T, p.Arg2449Trp (NM_015284.4); short protein forms R2449W, R2506W.
Identifiers: ClinVar variation 863923 (VCV000863923.14), dbSNP rs200935344, ClinGen allele CA810256.
Genomic context (GRCh38, chr1:43,441,508, plus strand): 5'-TATAAACATACAAGTGTCATGTATGGACATGAGGCTCTTACTCCCACTGTCTTCAGGCGC[C>T]GGACAACACAGCTAGAAGAGGGTGAGGTGGGGACCCTTCATCCTGTGTTTGCCCGTGTTG-3'
Protein context (NP_001352928.1, residues 2496-2516): SDSGAQRQKR[Arg2506Trp]TTQLEEGEVG